The following is an entry in ClinVar:

ClinVar aggregate classification (germline): Uncertain significance. Review status: criteria provided, multiple submitters, no conflicts (2 of 4 stars). 3 submissions from 3 submitters: Uncertain significance (3). Last evaluated 2025-07-16.

Conditions:
Inborn genetic diseases. Identifiers: MedGen C0950123, MeSH D030342.

Allele frequency attached by ClinVar (database versions not stated): gnomAD 0.00001; TOPMed 0.00003.
gnomAD v4.1: 21 of 1,614,026 alleles (0.0013%); highest among the groups gnomAD compares: Admixed American, 0.0017%; no homozygotes.

Submissions (3):

Labcorp Genetics (formerly Invitae), Labcorp
Classification: Uncertain significance. Last evaluated: 2025-07-16. Review status: criteria provided, single submitter. Criteria: Invitae Variant Classification Sherloc (09022015). Collection method: clinical testing. Allele origin: germline.
Comment: This sequence change replaces lysine, which is basic and polar, with glutamic acid, which is acidic and polar, at codon 316 of the MYO3A protein (p.Lys316Glu). This variant is present in population databases (rs768515710, gnomAD 0.004%). This variant has not been reported in the literature in individuals affected with MYO3A-related conditions. ClinVar contains an entry for this variant (Variation ID: 1309560). Invitae Evidence Modeling of protein sequence and biophysical properties (such as structural, functional, and spatial information, amino acid conservation, physicochemical variation, residue mobility, and thermodynamic stability) indicates that this missense variant is not expected to disrupt MYO3A protein function with a negative predictive value of 80%. In summary, the available evidence is currently insufficient to determine the role of this variant in disease. Therefore, it has been classified as a Variant of Uncertain Significance.

Ambry Genetics
Classification: Uncertain significance for Inborn genetic diseases. Last evaluated: 2025-07-15. Review status: criteria provided, single submitter. Criteria: Ambry Variant Classification Scheme 2023. Collection method: clinical testing. Allele origin: germline.

GeneDx
Classification: Uncertain significance. Last evaluated: 2019-10-23. Review status: criteria provided, single submitter. Criteria: GeneDx Variant Classification Process June 2021. Collection method: clinical testing. Allele origin: germline. Affected: yes.
Comment: In silico analysis, which includes protein predictors and evolutionary conservation, supports that this variant does not alter protein structure/function; Has not been previously published as pathogenic or benign to our knowledge

NM_017433.5(MYO3A):c.946A>G (p.Lys316Glu)

Gene: MYO3A (myosin IIIA; plus strand). Cytogenetic location: 10p12.1.
Variant type: single nucleotide variant.
Coding change: c.946A>G on transcript NM_017433.5 (MANE Select); coding-DNA position 946, A replaced by G.
Protein change: p.Lys316Glu; replaces lysine 316 with glutamic acid.
Molecular consequence: missense variant.
Genome position (GRCh38, 1-based): chr10:26,026,525, A>G. VCF-style: chr10-26026525-A-G. GRCh37 (hg19) VCF-style: chr10-26315454-A-G.
Other names: short protein forms K316E.
Identifiers: ClinVar variation 1309560 (VCV001309560.4), dbSNP rs768515710, ClinGen allele CA5444483.